The following is an entry in ClinVar:

NM_005076.5(CNTN2):c.1240+1G>A

Gene: CNTN2 (contactin 2; plus strand). Cytogenetic location: 1q32.1.
Variant type: single nucleotide variant.
Coding change: c.1240+1G>A on transcript NM_005076.5 (MANE Select); the canonical splice donor site of the intron after coding-DNA position 1240, G replaced by A.
Molecular consequence: splice donor variant.
Genome position (GRCh38, 1-based): chr1:205,062,570, G>A. VCF-style: chr1-205062570-G-A. GRCh37 (hg19) VCF-style: chr1-205031698-G-A.
Other names: c.1240+1G>A (NM_001346083.2).
Identifiers: ClinVar variation 1484408 (VCV001484408.6), dbSNP rs113709347, ClinGen allele CA344374657.

ClinVar aggregate classification (germline): Likely pathogenic (1 of 4 stars; one submission).

Conditions:
Epilepsy, familial adult myoclonic, 5 (EPEO5). Also called: CORTICAL MYOCLONIC TREMOR WITH EPILEPSY, FAMILIAL, 5. Identifiers: Orphanet 86814, MedGen C3809374, MONDO:0014167, OMIM 615400.

Submission:

Labcorp Genetics (formerly Invitae), Labcorp
Classification: Likely pathogenic for Epilepsy, familial adult myoclonic, 5. Last evaluated: 2021-12-09. Review status: criteria provided, single submitter. Criteria: Invitae Variant Classification Sherloc (09022015). Collection method: clinical testing. Allele origin: germline.
Comment: In summary, the currently available evidence indicates that the variant is pathogenic, but additional data are needed to prove that conclusively. Therefore, this variant has been classified as Likely Pathogenic. Algorithms developed to predict the effect of sequence changes on RNA splicing suggest that this variant may disrupt the consensus splice site. This variant has not been reported in the literature in individuals affected with CNTN2-related conditions. This variant is not present in population databases (gnomAD no frequency). This sequence change affects a donor splice site in intron 10 of the CNTN2 gene. It is expected to disrupt RNA splicing. Variants that disrupt the donor or acceptor splice site typically lead to a loss of protein function (PMID: 16199547), and loss-of-function variants in CNTN2 are known to be pathogenic (PMID: 11178983, 23518707).

Literature cited by the submitters: PubMed 16199547; PubMed 11178983; PubMed 23518707.